The following is an entry in ClinVar:

ClinVar aggregate classification (germline): Uncertain significance (1 of 4 stars; one submission).

Conditions:
Inborn genetic diseases. Identifiers: MedGen C0950123, MeSH D030342.

Submission:

Ambry Genetics
Classification: Uncertain significance for Inborn genetic diseases. Last evaluated: 2021-08-11. Review status: criteria provided, single submitter. Criteria: Ambry Variant Classification Scheme 2023. Collection method: clinical testing. Allele origin: germline.
Comment: The p.T447I variant (also known as c.1340C>T), located in coding exon 10 of the EPAS1 gene, results from a C to T substitution at nucleotide position 1340. The threonine at codon 447 is replaced by isoleucine, an amino acid with similar properties. This amino acid position is conserved. In addition, this alteration is predicted to be tolerated by in silico analysis. Since supporting evidence is limited at this time, the clinical significance of this alteration remains unclear.

NM_001430.5(EPAS1):c.1340C>T (p.Thr447Ile)

Gene: EPAS1 (endothelial PAS domain protein 1; plus strand). Cytogenetic location: 2p21.
Variant type: single nucleotide variant.
Coding change: c.1340C>T on transcript NM_001430.5 (MANE Select); coding-DNA position 1340, C replaced by T.
Protein change: p.Thr447Ile; replaces threonine 447 with isoleucine.
Molecular consequence: missense variant.
Genome position (GRCh38, 1-based): chr2:46,377,984, C>T. VCF-style: chr2-46377984-C-T. GRCh37 (hg19) VCF-style: chr2-46605123-C-T.
Other names: short protein forms T447I.
Identifiers: ClinVar variation 1770352 (VCV001770352.2), dbSNP rs2546473540, ClinGen allele CA346703877.